The following is an entry in ClinVar:

NM_005591.4(MRE11):c.1018A>T (p.Ile340Phe)

Gene: MRE11 (MRE11 double strand break repair nuclease; minus strand). Cytogenetic location: 11q21.
Variant type: single nucleotide variant.
Coding change: c.1018A>T on transcript NM_005591.4 (MANE Select); coding-DNA position 1018, A replaced by T.
Protein change: p.Ile340Phe; replaces isoleucine 340 with phenylalanine.
Molecular consequence: missense variant.
Genome position (GRCh38, 1-based): chr11:94,467,893, T>A on the plus strand (A>T on the coding strand, the complement: MRE11 is on the minus strand). VCF-style: chr11-94467893-T-A. GRCh37 (hg19) VCF-style: chr11-94201059-T-A.
Other names: c.1018A>T, p.Ile340Phe (NM_001330347.2, NM_005590.4); short protein forms I340F.
Identifiers: ClinVar variation 231692 (VCV000231692.7), dbSNP rs374389299, ClinGen allele CA10579394.

ClinVar aggregate classification (germline): Uncertain significance (1 of 4 stars; one submission).

Conditions:
Hereditary cancer-predisposing syndrome. Also called: Neoplastic Syndromes, Hereditary; Tumor predisposition; Hereditary Cancer Syndrome; Hereditary neoplastic syndrome. Identifiers: Orphanet 140162, MedGen C0027672, MeSH D009386, MONDO:0015356.

Allele frequency attached by ClinVar (database versions not stated): gnomAD 0.00001; TOPMed 0.00001; ESP Exome Variant Server 0.00008.
gnomAD v4.1: 1 of 1,613,038 alleles (0.000062%); highest among the groups gnomAD compares: African/African-American, 0.0013%; no homozygotes.

Submission:

Ambry Genetics
Classification: Uncertain significance for Hereditary cancer-predisposing syndrome. Last evaluated: 2025-08-22. Review status: criteria provided, single submitter. Criteria: Ambry Variant Classification Scheme 2023. Collection method: clinical testing. Allele origin: germline.
Comment: The p.I340F variant (also known as c.1018A>T) is located in coding exon 9 of the MRE11A gene. The isoleucine at codon 340 is replaced by phenylalanine, an amino acid with highly similar properties. This change occurs in the first base pair of coding exon 9. This amino acid position is not well conserved in available vertebrate species. In addition, the in silico prediction for this alteration is inconclusive. Since supporting evidence is limited at this time, the clinical significance of this alteration remains unclear.